The following is an entry in ClinVar:

NM_001367721.1(CASK):c.1714C>T (p.Arg572Cys)

Gene: CASK (calcium/calmodulin dependent serine protein kinase; minus strand). Cytogenetic location: Xp11.4.
Variant type: single nucleotide variant.
Coding change: c.1714C>T on transcript NM_001367721.1 (MANE Select); coding-DNA position 1714, C replaced by T.
Protein change: p.Arg572Cys; replaces arginine 572 with cysteine.
Molecular consequence: missense variant.
Genome position (GRCh38, 1-based): chrX:41,559,802, G>A on the plus strand (C>T on the coding strand, the complement: CASK is on the minus strand). VCF-style: chrX-41559802-G-A. GRCh37 (hg19) VCF-style: chrX-41419055-G-A.
Other names: c.1714C>T, p.Arg572Cys (NM_001126054.3, NM_003688.4); c.1696C>T, p.Arg566Cys (NM_001126055.3, NM_001410745.1); short protein forms R566C, R572C.
Identifiers: ClinVar variation 948190 (VCV000948190.45), dbSNP rs1421702106, ClinGen allele CA412994417.

ClinVar aggregate classification (germline): Conflicting classifications of pathogenicity. Review status: criteria provided, conflicting classifications (1 of 4 stars). 5 submissions from 5 submitters: Uncertain significance (4); Likely benign (1). Last evaluated 2025-11-03.

Conditions:
CASK-related disorder. Also called: CASK-related condition; CASK-related disorders.
FG syndrome 4 (FGS4). Identifiers: MedGen C1845546, MONDO:0010318, OMIM 300422.
Intellectual disability, CASK-related, X-linked. Identifiers: MedGen CN043158.

Allele frequency attached by ClinVar (database versions not stated): gnomAD exomes below 0.00001; gnomAD 0.00002; TOPMed 0.00002.
gnomAD v4.1: 5 of 1,208,815 alleles (0.00041%); highest among the groups gnomAD compares: African/African-American, 0.0052%; no homozygotes.

Submissions (5):

Labcorp Genetics (formerly Invitae), Labcorp
Classification: Likely benign for Intellectual disability, CASK-related, X-linked. Last evaluated: 2025-11-03. Review status: criteria provided, single submitter. Criteria: Invitae Variant Classification Sherloc (09022015). Collection method: clinical testing. Allele origin: germline.

PreventionGenetics, part of Exact Sciences
Classification: Uncertain significance for CASK-related condition. Last evaluated: 2025-10-29. Review status: criteria provided, single submitter. Criteria: ACMG Guidelines, 2015. Collection method: clinical testing. Allele origin: germline.
Comment: The CASK c.1714C>T variant is predicted to result in the amino acid substitution p.Arg572Cys. To our knowledge, this variant has not been reported in the literature. This variant is reported in 0.017% of alleles in individuals of African descent in gnomAD. Although we suspect that this variant may be benign, at this time, the clinical significance of this variant is uncertain due to the absence of conclusive functional and genetic evidence.

GeneDx
Classification: Uncertain significance. Last evaluated: 2025-04-08. Review status: criteria provided, single submitter. Criteria: GeneDx Variant Classification Process June 2021. Collection method: clinical testing. Allele origin: germline. Affected: yes.
Comment: In silico analysis supports that this missense variant has a deleterious effect on protein structure/function; This variant is associated with the following publications: (PMID: 29970176)

CeGaT Center for Human Genetics Tuebingen
Classification: Uncertain significance. Last evaluated: 2021-08-01. Review status: criteria provided, single submitter. Criteria: CeGaT Center For Human Genetics Tuebingen Variant Classification Criteria Version 2. Collection method: clinical testing. Allele origin: germline. Affected: yes. Observed: 1 variant allele.

Baylor Genetics
Classification: Uncertain significance for FG syndrome 4. Last evaluated: 2020-07-08. Review status: criteria provided, single submitter. Criteria: ACMG Guidelines, 2015. Collection method: clinical testing. Allele origin: unknown. Affected: yes.
Comment: This variant was determined to be of uncertain significance according to ACMG Guidelines, 2015 [PMID:25741868].